The following is an entry in ClinVar:

ClinVar aggregate classification (germline): Uncertain significance. Review status: criteria provided, multiple submitters, no conflicts (2 of 4 stars). 2 submissions from 2 submitters: Uncertain significance (2). Last evaluated 2025-07-15.

Conditions:
Combined immunodeficiency due to OX40 deficiency. Also called: Immunodeficiency 16; OX40 DEFICIENCY. Identifiers: Orphanet 431149, MedGen C3810053, MONDO:0014268, OMIM 615593.

Allele frequency attached by ClinVar (database versions not stated): ExAC 0.00001; gnomAD 0.00001; TOPMed 0.00001; gnomAD exomes 0.00002.

Submissions (2):

Labcorp Genetics (formerly Invitae), Labcorp
Classification: Uncertain significance for Combined immunodeficiency due to OX40 deficiency. Last evaluated: 2025-07-15. Review status: criteria provided, single submitter. Criteria: Invitae Variant Classification Sherloc (09022015). Collection method: clinical testing. Allele origin: germline.
Comment: This sequence change replaces alanine, which is neutral and non-polar, with threonine, which is neutral and polar, at codon 164 of the TNFRSF4 protein (p.Ala164Thr). This variant is present in population databases (rs377530517, gnomAD 0.003%). This variant has not been reported in the literature in individuals affected with TNFRSF4-related conditions. ClinVar contains an entry for this variant (Variation ID: 1060187). Invitae Evidence Modeling of protein sequence and biophysical properties (such as structural, functional, and spatial information, amino acid conservation, physicochemical variation, residue mobility, and thermodynamic stability) indicates that this missense variant is not expected to disrupt TNFRSF4 protein function with a negative predictive value of 80%. In summary, the available evidence is currently insufficient to determine the role of this variant in disease. Therefore, it has been classified as a Variant of Uncertain Significance.

Ambry Genetics
Classification: Uncertain significance. Last evaluated: 2024-09-30. Review status: criteria provided, single submitter. Criteria: Ambry Variant Classification Scheme 2023. Collection method: clinical testing. Allele origin: germline.

NM_003327.4(TNFRSF4):c.490G>A (p.Ala164Thr)

Gene: TNFRSF4 (TNF receptor superfamily member 4; minus strand). Cytogenetic location: 1p36.33.
Variant type: single nucleotide variant.
Coding change: c.490G>A on transcript NM_003327.4 (MANE Select); coding-DNA position 490, G replaced by A.
Protein change: p.Ala164Thr; replaces alanine 164 with threonine.
Molecular consequence: missense variant.
Genome position (GRCh38, 1-based): chr1:1,212,086, C>T on the plus strand (G>A on the coding strand, the complement: TNFRSF4 is on the minus strand). VCF-style: chr1-1212086-C-T. GRCh37 (hg19) VCF-style: chr1-1147466-C-T.
Other names: c.490G>A (NM_003327.3); short protein forms A164T.
Identifiers: ClinVar variation 1060187 (VCV001060187.10), dbSNP rs377530517, ClinGen allele CA512441.
Genomic context (GRCh38, chr1:1,212,086, plus strand): 5'-CCGGGGGGCCCTGGGTCTCCTGGGGCTGCGTGGCTGGGGGGTCCCTGTCCTCACAGATTG[C>T]GTCCGAGCTATTGCTGGCCGGCTGCAGGGTGTGCTTCCCAGCCAAGGTGCAGCTGTTGGG-3'
Protein context (NP_003318.1, residues 154-174): TLQPASNSSD[Ala164Thr]ICEDRDPPAT